The following is an entry in ClinVar:

NM_032578.4(MYPN):c.3481C>A (p.Leu1161Ile)

Gene: MYPN (myopalladin; plus strand). Cytogenetic location: 10q21.3.
Variant type: single nucleotide variant.
Coding change: c.3481C>A on transcript NM_032578.4 (MANE Select); coding-DNA position 3481, C replaced by A.
Protein change: p.Leu1161Ile; replaces leucine 1161 with isoleucine.
Molecular consequence: missense variant. On other transcripts: non-coding transcript variant (2).
Genome position (GRCh38, 1-based): chr10:68,199,563, C>A. VCF-style: chr10-68199563-C-A. GRCh37 (hg19) VCF-style: chr10-69959320-C-A.
Other names: p.L1161I:CTC>ATC; c.3481C>A (LRG_410t1); c.3481C>A, p.Leu1161Ile (NM_001256267.2); c.2599C>A, p.Leu867Ile (NM_001256268.2); short protein forms L1161I, L867I.
Identifiers: ClinVar variation 31819 (VCV000031819.67), dbSNP rs138313730, ClinGen allele CA215338.

ClinVar aggregate classification (germline): Conflicting classifications of pathogenicity. Review status: criteria provided, conflicting classifications (1 of 4 stars). 21 submissions from 21 submitters: Uncertain significance (2); Benign (10); Likely benign (5). 4 of the submissions do not count toward it. Last evaluated 2026-09-01.

Conditions:
Heart failure. Identifiers: MedGen C0018801, MONDO:0005252.
Primary dilated cardiomyopathy (DCM). Also called: Dilated Cardiomyopathy. Identifiers: Orphanet 217604, MedGen C0007193, MeSH D002311, MONDO:0005021, HP:0001644. Inheritance: Various modes of inheritance.
Cardiomyopathy (CMYO). Also called: Cardiomyopathies. Identifiers: Orphanet 167848, MedGen C0878544, MONDO:0004994, HP:0001638. Inheritance: Various modes of inheritance.
Cardiovascular phenotype. Identifiers: MedGen CN230736.
Dilated cardiomyopathy 1KK (CMD1KK). Identifiers: Orphanet 154, Orphanet 75249, MedGen C3714995, MONDO:0014100, OMIM 615248.
Primary familial dilated cardiomyopathy (FDC). Also called: Hypokinetic dilated cardiomyopathy, familial; Familial dilated cardiomyopathy. Identifiers: Orphanet 217607, MedGen C0340427, MONDO:0016333.

Allele frequency attached by ClinVar (database versions not stated): 1000 Genomes Project 30x 0.00234; ExAC 0.00330; gnomAD exomes 0.00381; gnomAD 0.00132 and 0.00123; 1000 Genomes Project 0.00220; ESP Exome Variant Server 0.00023; TOPMed 0.00254.
gnomAD v4.1: 1,617 of 1,607,316 alleles (0.1%); highest among the groups gnomAD compares: Admixed American, 1.7%; 21 homozygotes.

Submissions (21):

CeGaT Center for Human Genetics Tuebingen
Classification: Benign. Last evaluated: 2026-09-01. Review status: criteria provided, single submitter. Criteria: CeGaT Center For Human Genetics Tuebingen Variant Classification Criteria Version 2. Collection method: clinical testing. Allele origin: germline. Affected: yes. Observed: 7 variant alleles.
Comment: MYPN: BS1, BS2

Labcorp Genetics (formerly Invitae), Labcorp
Classification: Benign for Dilated cardiomyopathy 1KK. Last evaluated: 2026-02-03. Review status: criteria provided, single submitter. Criteria: Invitae Variant Classification Sherloc (09022015). Collection method: clinical testing. Allele origin: germline.

Blueprint Genetics
Classification: Likely benign. Last evaluated: 2024-11-25. Review status: criteria provided, single submitter. Criteria: ACMG Guidelines, 2015. Collection method: clinical testing. Allele origin: germline.

Women's Health and Genetics/Laboratory Corporation of America, LabCorp
Classification: Likely benign. Last evaluated: 2023-07-29. Review status: criteria provided, single submitter. Criteria: LabCorp Variant Classification Summary - May 2015. Collection method: clinical testing. Allele origin: germline.

GeneDx
Classification: Benign. Last evaluated: 2021-02-03. Review status: criteria provided, single submitter. Criteria: GeneDx Variant Classification Process June 2021. Collection method: clinical testing. Allele origin: germline. Affected: yes.
Comment: Identified in a patient with HCM in the published literature (Purevjav et al., 2012); In silico analysis supports that this missense variant does not alter protein structure/function; This variant is associated with the following publications: (PMID: 23299917, 22286171, 27535533)

ARUP Laboratories, Molecular Genetics and Genomics, ARUP Laboratories
Classification: Benign. Last evaluated: 2020-08-11. Review status: criteria provided, single submitter. Criteria: ARUP Molecular Germline Variant Investigation Process. Collection method: clinical testing. Allele origin: germline.

Center for Advanced Laboratory Medicine, UC San Diego Health, University of California San Diego
Classification: Likely benign for Cardiomyopathy; Dilated cardiomyopathy; Heart failure. Last evaluated: 2019-01-24. Review status: criteria provided, single submitter. Criteria: ACMG Guidelines, 2015. Collection method: clinical testing. Allele origin: germline. Affected: yes. Observed: 3 variant alleles.

Mayo Clinic Laboratories, Mayo Clinic
Classification: Benign. Last evaluated: 2018-11-28. Review status: criteria provided, single submitter. Criteria: ACMG Guidelines, 2015. Collection method: clinical testing. Allele origin: germline. Observed: 7 variant alleles.

Genome Diagnostics Laboratory, University Medical Center Utrecht
Classification: Likely benign for Dilated cardiomyopathy 1KK. Last evaluated: 2017-07-28. Review status: criteria provided, single submitter. Criteria: ACGS Guidelines, 2013. Collection method: clinical testing. Allele origin: germline. Affected: yes. Study: VKGL Data-share Consensus.

Clinical Genetics DNA and cytogenetics Diagnostics Lab, Erasmus MC, Erasmus Medical Center
Classification: Benign for Dilated cardiomyopathy 1KK. Last evaluated: 2017-05-31. Review status: criteria provided, single submitter. Criteria: ACGS Guidelines, 2013. Collection method: clinical testing. Allele origin: germline. Affected: yes. Study: VKGL Data-share Consensus.

Molecular Diagnostic Laboratory for Inherited Cardiovascular Disease, Montreal Heart Institute
Classification: Uncertain significance for Primary familial dilated cardiomyopathy. Last evaluated: 2017-03-28. Review status: criteria provided, single submitter. Criteria: ACMG Guidelines, 2015. Collection method: clinical testing. Allele origin: germline. Affected: yes.

Center for Pediatric Genomic Medicine, Children's Mercy Hospital and Clinics
Classification: Likely benign. Last evaluated: 2017-02-07. Review status: criteria provided, single submitter. Criteria: ACMG Guidelines, 2015. Collection method: clinical testing. Allele origin: germline.
ClinVar note: Converted during submission from Likely Benign to Likely benign.

Stanford Center for Inherited Cardiovascular Disease, Stanford University
Classification: Benign. Last evaluated: 2016-10-13. Review status: criteria provided, single submitter. Criteria: ACMG Guidelines, 2015. Collection method: provider interpretation. Allele origin: germline.

Ambry Genetics
Classification: Benign for Cardiovascular phenotype. Last evaluated: 2016-04-25. Review status: criteria provided, single submitter. Criteria: Ambry Variant Classification Scheme 2023. Collection method: clinical testing. Allele origin: germline.

Soonchunhyang University Bucheon Hospital, Soonchunhyang University Medical Center
Classification: Uncertain significance for Dilated cardiomyopathy 1KK. Last evaluated: 2016-03-18. Review status: criteria provided, single submitter. Criteria: ACMG Guidelines, 2015. Collection method: reference population. Allele origin: germline. Observed: 1 variant allele.

Laboratory for Molecular Medicine, Mass General Brigham Personalized Medicine
Classification: Benign. Last evaluated: 2015-06-03. Review status: criteria provided, single submitter. Criteria: LMM Criteria. Collection method: clinical testing. Allele origin: germline. Observed: 2 variant alleles.
Comment: p.Leu1161Ile in exon 18 of MYPN: This variant is not expected to have clinical s ignificance because it has been identified in 2.8% (320/11566) of Latino chromos omes by the Exome Aggregation Consortium (ExAC; dbSNP rs138313730).

Broad Center for Mendelian Genomics, Broad Institute of MIT and Harvard
Classification: Benign for Dilated cardiomyopathy 1KK. Review status: criteria provided, single submitter. Criteria: ACMG Guidelines, 2015. Collection method: research. Allele origin: germline. Inheritance: Autosomal dominant inheritance. Affected: yes.
Comment: This variant has also been identified in >2% of Latino chromosomes and 5 homozygotes by ExAC, and in 3 individuals from the NHLBI GO Exome Sequencing Project (PMID: 23299917). In summary, this variant meets criteria to be classified as benign for hypertrophic cardiomyopathy.

ClinVar Staff, National Center for Biotechnology Information (NCBI)
Classification: Uncertain significance for Dilated cardiomyopathy 1KK. Last evaluated: 2013-06-27. Review status: no assertion criteria provided. Collection method: literature only. Allele origin: germline. Affected: yes. Not counted in ClinVar's aggregate classification.

Leiden Muscular Dystrophy (MYPN)
No classification provided. Last evaluated: 2012-04-27. Review status: no classification provided. Collection method: curation. Allele origin: germline. Not counted in ClinVar's aggregate classification.

Clinical Genetics, Academic Medical Center
Classification: Benign. Review status: no assertion criteria provided. Collection method: clinical testing. Allele origin: germline. Affected: yes. Study: VKGL Data-share Consensus. Not counted in ClinVar's aggregate classification.

Joint Genome Diagnostic Labs from Nijmegen and Maastricht, Radboudumc and MUMC+
Classification: Likely benign. Review status: no assertion criteria provided. Collection method: clinical testing. Allele origin: germline. Affected: yes. Study: VKGL Data-share Consensus. Not counted in ClinVar's aggregate classification.

Literature cited by the submitters: PubMed 22286171 (cited by 4 submitters); PubMed 23299917 (cited by Ambry Genetics and Broad Center for Mendelian Genomics, Broad Institute of MIT and Harvard).